The following is an entry in ClinVar:

NM_001369268.1(ACAN):c.542T>A (p.Ile181Asn)

Gene: ACAN (aggrecan; plus strand). Cytogenetic location: 15q26.1.
Variant type: single nucleotide variant.
Coding change: c.542T>A on transcript NM_001369268.1 (MANE Select); coding-DNA position 542, T replaced by A.
Protein change: p.Ile181Asn; replaces isoleucine 181 with asparagine.
Molecular consequence: missense variant.
Genome position (GRCh38, 1-based): chr15:88,840,099, T>A. VCF-style: chr15-88840099-T-A. GRCh37 (hg19) VCF-style: chr15-89383330-T-A.
Other names: c.542T>A (NM_013227.3); c.542T>A, p.Ile181Asn (NM_001135.4, NM_001411096.1, NM_001411097.1 and 1 more transcripts); short protein forms I181N.
Identifiers: ClinVar variation 2177008 (VCV002177008.6), dbSNP rs199602867, ClinGen allele CA7719263.

ClinVar aggregate classification (germline): Uncertain significance. Review status: criteria provided, multiple submitters, no conflicts (2 of 4 stars). 2 submissions from 2 submitters: Uncertain significance (2). Last evaluated 2026-02-02.

Conditions:
Inborn genetic diseases. Identifiers: MedGen C0950123, MeSH D030342.

Allele frequency attached by ClinVar (database versions not stated): ExAC 0.00005; gnomAD 0.00005; TOPMed 0.00005; gnomAD exomes 0.00006; ESP Exome Variant Server 0.00008.
gnomAD v4.1: 94 of 1,605,382 alleles (0.0059%); highest among the groups gnomAD compares: Non-Finnish European, 0.0079%; no homozygotes.

Submissions (2):

Labcorp Genetics (formerly Invitae), Labcorp
Classification: Uncertain significance. Last evaluated: 2026-02-02. Review status: criteria provided, single submitter. Criteria: Invitae Variant Classification Sherloc (09022015). Collection method: clinical testing. Allele origin: germline.
Comment: This sequence change replaces isoleucine, which is neutral and non-polar, with asparagine, which is neutral and polar, at codon 181 of the ACAN protein (p.Ile181Asn). This variant is present in population databases (rs199602867, gnomAD 0.009%). This variant has not been reported in the literature in individuals affected with ACAN-related conditions. ClinVar contains an entry for this variant (Variation ID: 2177008). Invitae Evidence Modeling of protein sequence and biophysical properties (such as structural, functional, and spatial information, amino acid conservation, physicochemical variation, residue mobility, and thermodynamic stability) indicates that this missense variant is not expected to disrupt ACAN protein function with a negative predictive value of 80%. In summary, the available evidence is currently insufficient to determine the role of this variant in disease. Therefore, it has been classified as a Variant of Uncertain Significance.

Ambry Genetics
Classification: Uncertain significance for Inborn genetic diseases. Last evaluated: 2025-04-08. Review status: criteria provided, single submitter. Criteria: Ambry Variant Classification Scheme 2023. Collection method: clinical testing. Allele origin: germline.